The following is an entry in ClinVar:

NM_012434.5(SLC17A5):c.820-51C>G

Gene: SLC17A5 (solute carrier family 17 member 5; minus strand). Cytogenetic location: 6q13.
Variant type: single nucleotide variant.
Coding change: c.820-51C>G on transcript NM_012434.5 (MANE Select); 51 bases into the intron before coding-DNA position 820, C replaced by G.
Molecular consequence: intron variant.
Genome position (GRCh38, 1-based): chr6:73,622,013, G>C on the plus strand (C>G on the coding strand, the complement: SLC17A5 is on the minus strand). VCF-style: chr6-73622013-G-C. GRCh37 (hg19) VCF-style: chr6-74331736-G-C.
Identifiers: ClinVar variation 672086 (VCV000672086.4), dbSNP rs611580, ClinGen allele CA3890421.
Genomic context (GRCh38, chr6:73,622,013, plus strand): 5'-GTGAAGAAAGCTGAAGAAAACAGGAATAATTAGGATAAACTACGGCTATGTTAATGCTTA[G>C]ATCTGTACCGTATCAGCTAAAACTCTATCCAGAATTCATACAGAATATCACCTTAATTAG-3'

ClinVar aggregate classification (germline): Benign. Review status: criteria provided, multiple submitters, no conflicts (2 of 4 stars). 3 submissions from 2 submitters: Benign (3). Last evaluated 2021-07-10.

Conditions:
Sialic acid storage disease, severe infantile type (ISSD). Also called: INFANTILE SIALIC ACID STORAGE DISORDER; Free sialic acid storage disease, infantile form; N-ACETYLNEURAMINIC ACID STORAGE DISEASE; NANA STORAGE DISEASE; SIALURIA, INFANTILE FORM; Infantile Sialic Acid Storage Disease. Identifiers: Orphanet 309324, Orphanet 834, MedGen C1096902, MONDO:0010027, OMIM 269920.
Salla disease (SD). Also called: Sialuria, Finnish type; N-acetylneuraminic acid (NANA) storage disease (NSD); Infantile sialic acid storage disorder (ISSD); Less Severe FSASD (Salla Disease). Identifiers: Orphanet 309334, Orphanet 834, MedGen C1096903, MONDO:0011449, OMIM 604369.

Allele frequency attached by ClinVar (database versions not stated): gnomAD exomes 0.08516 and 0.11391; ExAC 0.11658; gnomAD 0.16246 and 0.16614; ESP Exome Variant Server 0.16754; TOPMed 0.17890; 1000 Genomes Project 0.19649; 1000 Genomes Project 30x 0.20534.
gnomAD v4.1: 145,341 of 1,550,016 alleles (9.4%); highest among the groups gnomAD compares: African/African-American, 34%; 10,215 homozygotes.

Submissions (3):

Genome-Nilou Lab
Classification: Benign for Salla disease. Last evaluated: 2021-07-10. Review status: criteria provided, single submitter. Criteria: ACMG Guidelines, 2015. Collection method: clinical testing. Allele origin: germline. Affected: no.

Genome-Nilou Lab
Classification: Benign for Sialic acid storage disease, severe infantile type. Last evaluated: 2021-07-10. Review status: criteria provided, single submitter. Criteria: ACMG Guidelines, 2015. Collection method: clinical testing. Allele origin: germline. Affected: no.

GeneDx
Classification: Benign. Last evaluated: 2018-06-19. Review status: criteria provided, single submitter. Criteria: GeneDx Variant Classification (06012015). Collection method: clinical testing. Allele origin: germline. Affected: yes.
Comment: This variant is considered likely benign or benign based on one or more of the following criteria: it is a conservative change, it occurs at a poorly conserved position in the protein, it is predicted to be benign by multiple in silico algorithms, and/or has population frequency not consistent with disease.